The following is an entry in ClinVar:

ClinVar aggregate classification (germline): Pathogenic (1 of 4 stars; one submission).

Submission:

Labcorp Genetics (formerly Invitae), Labcorp
Classification: Pathogenic. Last evaluated: 2023-04-21. Review status: criteria provided, single submitter. Criteria: Invitae Variant Classification Sherloc (09022015). Collection method: clinical testing. Allele origin: germline.
Comment: This variant is not present in population databases (gnomAD no frequency). This sequence change creates a premature translational stop signal (p.Ser311Glufs*6) in the COL2A1 gene. It is expected to result in an absent or disrupted protein product. Loss-of-function variants in COL2A1 are known to be pathogenic (PMID: 20179744). This variant has not been reported in the literature in individuals affected with COL2A1-related conditions. For these reasons, this variant has been classified as Pathogenic.

Literature cited by the submitters: PubMed 20179744.

NM_001844.5(COL2A1):c.930dup (p.Ser311fs)

Gene: COL2A1 (collagen type II alpha 1 chain; minus strand). Cytogenetic location: 12q13.11.
Variant type: Duplication.
Coding change: c.930dup on transcript NM_001844.5 (MANE Select); coding-DNA position 930, one base duplicated (G; older notation c.930dupG).
Protein change: p.Ser311fs; shifts the reading frame from serine 311.
Molecular consequence: frameshift variant.
Genome position (GRCh38, 1-based): chr12:47,993,497, C duplicated on the plus strand (G on the coding strand, the reverse complement: COL2A1 is on the minus strand). VCF-style (leftmost placement, unchanged base first): chr12-47993496-T-TC. GRCh37 (hg19) VCF-style: chr12-48387279-T-TC.
Other names: c.723dup, p.Ser242fs (NM_033150.3); short protein forms S311fs, S242fs.
Identifiers: ClinVar variation 2856225 (VCV002856225.3), dbSNP rs2540167313, ClinGen allele CA2739271950.